The following is an entry in ClinVar:

NM_024753.5(TTC21B):c.1080C>G (p.Ala360=)

Gene: TTC21B (tetratricopeptide repeat domain 21B; minus strand). Cytogenetic location: 2q24.3.
Variant type: single nucleotide variant.
Coding change: c.1080C>G on transcript NM_024753.5 (MANE Select); coding-DNA position 1080, C replaced by G.
Protein change: p.Ala360=; no amino-acid change (alanine 360 retained).
Molecular consequence: synonymous variant.
Genome position (GRCh38, 1-based): chr2:165,930,179, G>C on the plus strand (C>G on the coding strand, the complement: TTC21B is on the minus strand). VCF-style: chr2-165930179-G-C. GRCh37 (hg19) VCF-style: chr2-166786689-G-C.
Other names: c.1080C>G (NM_024753.4).
Identifiers: ClinVar variation 2928425 (VCV002928425.4), dbSNP rs1030748717, ClinGen allele CA59806149.
Genomic context (GRCh38, chr2:165,930,179, plus strand): 5'-GCAATTGCTACTTGTATCTATATTATAAATATTTATGAAAACAGTTGTCATACCAACTAG[G>C]GCAGACACACTAGTCTCATCAAGTGTCATGGCGGTCTTATACCACTTCAGTGCCTCTTTA-3'
Protein context (NP_079029.3, residues 350-370): AMTLDETSVS[Ala360=]LVGFIQCQLI

ClinVar aggregate classification (germline): Likely benign. Review status: criteria provided, multiple submitters, no conflicts (2 of 4 stars). 2 submissions from 2 submitters: Likely benign (2). Last evaluated 2026-06-23.

Conditions:
Jeune thoracic dystrophy. Also called: Jeune syndrome; Infantile thoracic dystrophy; Thoracic pelvic phalangeal dystrophy; Jeune's syndrome; Chondroectodermal dysplasia-like syndrome; Short-rib thoracic dysplasia. Identifiers: Orphanet 474, MedGen C0265275, MONDO:0018770.
Nephronophthisis. Also called: Juvenile Nephronophthisis. Identifiers: Orphanet 655, MedGen C0687120, MONDO:0019005, HP:0000090.
TTC21B-related disorder. Also called: TTC21B-related condition; TTC21B-related disorders.

Allele frequency attached by ClinVar (database versions not stated): gnomAD 0.00001; TOPMed 0.00003.
gnomAD v4.1: 1 of 1,612,298 alleles (0.000062%); highest among the groups gnomAD compares: African/African-American, 0.0013%; no homozygotes.

Submissions (2):

PreventionGenetics, part of Exact Sciences
Classification: Likely benign for TTC21B-related condition. Last evaluated: 2026-06-23. Review status: criteria provided, single submitter. Criteria: ACMG Guidelines, 2015. Collection method: clinical testing. Allele origin: germline.
Comment: This variant is classified as likely benign based on ACMG/AMP sequence variant interpretation guidelines (Richards et al. 2015 PMID: 25741868, with internal and published modifications).

Labcorp Genetics (formerly Invitae), Labcorp
Classification: Likely benign for Jeune thoracic dystrophy; Nephronophthisis. Last evaluated: 2025-06-12. Review status: criteria provided, single submitter. Criteria: Invitae Variant Classification Sherloc (09022015). Collection method: clinical testing. Allele origin: germline.